The following is an entry in ClinVar:

NM_000535.7(PMS2):c.2042A>T (p.Gln681Leu)

Gene: PMS2 (PMS1 homolog 2, mismatch repair system component; minus strand). Cytogenetic location: 7p22.1.
Variant type: single nucleotide variant.
Coding change: c.2042A>T on transcript NM_000535.7 (MANE Select); coding-DNA position 2042, A replaced by T.
Protein change: p.Gln681Leu; replaces glutamine 681 with leucine.
Molecular consequence: missense variant. On other transcripts: non-coding transcript variant (1).
Genome position (GRCh38, 1-based): chr7:5,982,956, T>A on the plus strand (A>T on the coding strand, the complement: PMS2 is on the minus strand). VCF-style: chr7-5982956-T-A. GRCh37 (hg19) VCF-style: chr7-6022587-T-A.
Other names: c.1637A>T, p.Gln546Leu (NM_001322003.2, NM_001322004.2, NM_001322005.2 and 1 more transcripts); c.1886A>T, p.Gln629Leu (NM_001322006.2); c.1724A>T, p.Gln575Leu (NM_001322007.2, NM_001322008.2); c.1481A>T, p.Gln494Leu (NM_001322010.2); c.1109A>T, p.Gln370Leu (NM_001322011.2, NM_001322012.2); c.1469A>T, p.Gln490Leu (NM_001322013.2); c.2042A>T, p.Gln681Leu (NM_001322014.2); c.1733A>T, p.Gln578Leu (NM_001322015.2); short protein forms Q490L, Q370L, Q575L, Q546L, Q578L, Q629L, Q494L, Q681L.
Identifiers: ClinVar variation 945201 (VCV000945201.10), dbSNP rs1782465326, ClinGen allele CA366738121.

ClinVar aggregate classification (germline): Uncertain significance. Review status: criteria provided, multiple submitters, no conflicts (2 of 4 stars). 2 submissions from 2 submitters: Uncertain significance (2). Last evaluated 2025-09-24.

Conditions:
Hereditary nonpolyposis colorectal neoplasms. Identifiers: MedGen C0009405, MeSH D003123.
Hereditary cancer-predisposing syndrome. Also called: Neoplastic Syndromes, Hereditary; Hereditary Cancer Syndrome; Tumor predisposition; Hereditary neoplastic syndrome. Identifiers: Orphanet 140162, MedGen C0027672, MeSH D009386, MONDO:0015356.

Submissions (2):

Ambry Genetics
Classification: Uncertain significance for Hereditary cancer-predisposing syndrome. Last evaluated: 2025-09-24. Review status: criteria provided, single submitter. Criteria: Ambry Variant Classification Scheme 2023. Collection method: clinical testing. Allele origin: germline.
Comment: The p.Q681L variant (also known as c.2042A>T), located in coding exon 12 of the PMS2 gene, results from an A to T substitution at nucleotide position 2042. The glutamine at codon 681 is replaced by leucine, an amino acid with dissimilar properties. This amino acid position is highly conserved in available vertebrate species. In addition, this alteration is predicted to be deleterious by in silico analysis. Based on the available evidence, the clinical significance of this variant remains unclear.

Labcorp Genetics (formerly Invitae), Labcorp
Classification: Uncertain significance for Hereditary nonpolyposis colorectal neoplasms. Last evaluated: 2021-12-23. Review status: criteria provided, single submitter. Criteria: Invitae Variant Classification Sherloc (09022015). Collection method: clinical testing. Allele origin: germline.
Comment: This variant has not been reported in the literature in individuals affected with PMS2-related conditions. ClinVar contains an entry for this variant (Variation ID: 945201). Algorithms developed to predict the effect of missense changes on protein structure and function (SIFT, PolyPhen-2, Align-GVGD) all suggest that this variant is likely to be disruptive. In summary, the available evidence is currently insufficient to determine the role of this variant in disease. Therefore, it has been classified as a Variant of Uncertain Significance. The frequency data for this variant in the population databases (gnomAD) is considered unreliable due to the presence of homologous sequence, such as pseudogenes or paralogs, in the genome. This sequence change replaces glutamine, which is neutral and polar, with leucine, which is neutral and non-polar, at codon 681 of the PMS2 protein (p.Gln681Leu).